The following is an entry in ClinVar:

NM_000059.4(BRCA2):c.8839G>T (p.Glu2947Ter)

Gene: BRCA2 (BRCA2 DNA repair associated; plus strand). Cytogenetic location: 13q13.1.
Variant type: single nucleotide variant.
Coding change: c.8839G>T on transcript NM_000059.4 (MANE Select); coding-DNA position 8839, G replaced by T.
Protein change: p.Glu2947Ter; replaces glutamic acid 2947 with a stop codon.
Molecular consequence: nonsense.
Genome position (GRCh38, 1-based): chr13:32,379,401, G>T. VCF-style: chr13-32379401-G-T. GRCh37 (hg19) VCF-style: chr13-32953538-G-T.
Other names: 9067G>T; short protein forms E2947*.
Identifiers: ClinVar variation 91736 (VCV000091736.25), dbSNP rs398122715, ClinGen allele CA025846.
Genomic context (GRCh38, chr13:32,379,401, plus strand): 5'-AGAGCCTTGAATAATCACAGGCAAATGTTGAATGATAAGAAACAAGCTCAGATCCAGTTG[G>T]AAATTAGGAAGGCCATGGAATCTGCTGAACAAAAGGAACAAGGTTTATCAAGGGATGTCA-3'

ClinVar aggregate classification (germline): Pathogenic. Review status: reviewed by expert panel (3 of 4 stars). 10 submissions from 10 submitters: Pathogenic (1). 9 of the submissions do not count toward it. Last evaluated 2016-09-08.

Conditions:
Breast-ovarian cancer, familial, susceptibility to, 2 (BROVCA2). Also called: BRCA2 Hereditary Breast and Ovarian Cancer. Identifiers: Orphanet 145, MedGen C2675520, MONDO:0012933, OMIM 612555. Disease mechanism: loss of function.
Hereditary cancer-predisposing syndrome. Also called: Tumor predisposition; Hereditary Cancer Syndrome; Neoplastic Syndromes, Hereditary; Hereditary neoplastic syndrome. Identifiers: Orphanet 140162, MedGen C0027672, MeSH D009386, MONDO:0015356.
Hereditary breast ovarian cancer syndrome. Also called: Breast and ovarian cancer; Hereditary breast and ovarian cancer; Hereditary breast and ovarian cancer syndrome; BRCA1- and BRCA2-Associated Hereditary Breast and Ovarian Cancer; Hereditary breast and ovarian cancer syndrome (HBOC); Hereditary breast and/or ovarian cancer syndrome. Identifiers: Orphanet 145, MedGen C0677776, MeSH D061325, MONDO:0003582. Disease mechanism: loss of function.
Familial cancer of breast. Also called: BREAST CANCER, FAMILIAL; hereditary breast carcinoma; Hereditary breast cancer. Identifiers: Orphanet 227535, MedGen C0346153, MONDO:0016419, OMIM 114480. Disease mechanism: loss of function.

Submissions (10):

Evidence-based Network for the Interpretation of Germline Mutant Alleles (ENIGMA)
Classification: Pathogenic for Breast-ovarian cancer, familial, susceptibility to, 2. Last evaluated: 2016-09-08. Review status: reviewed by expert panel. Criteria: ENIGMA BRCA1/2 Classification Criteria (2015). Collection method: curation. Allele origin: germline.
Comment: Variant allele predicted to encode a truncated non-functional protein.

Ambry Genetics
Classification: Pathogenic for Hereditary cancer-predisposing syndrome. Last evaluated: 2025-04-11. Review status: criteria provided, single submitter. Criteria: Ambry Variant Classification Scheme 2023. Collection method: clinical testing. Allele origin: germline. Not counted in ClinVar's aggregate classification.
Comment: The p.E2947* pathogenic mutation (also known as c.8839G>T), located in coding exon 21 of the BRCA2 gene, results from a G to T substitution at nucleotide position 8839. This changes the amino acid from a glutamic acid to a stop codon within coding exon 21. This variant is considered to be rare based on population cohorts in the Genome Aggregation Database (gnomAD). This alteration is expected to result in loss of function by premature protein truncation or nonsense-mediated mRNA decay. As such, this alteration is interpreted as a disease-causing mutation.

Labcorp Genetics (formerly Invitae), Labcorp
Classification: Pathogenic for Hereditary breast ovarian cancer syndrome. Last evaluated: 2025-03-17. Review status: criteria provided, single submitter. Criteria: Invitae Variant Classification Sherloc (09022015). Collection method: clinical testing. Allele origin: germline. Not counted in ClinVar's aggregate classification.
Comment: This sequence change creates a premature translational stop signal (p.Glu2947*) in the BRCA2 gene. It is expected to result in an absent or disrupted protein product. Loss-of-function variants in BRCA2 are known to be pathogenic (PMID: 20104584). This variant is not present in population databases (gnomAD no frequency). This variant has not been reported in the literature in individuals affected with BRCA2-related conditions. ClinVar contains an entry for this variant (Variation ID: 91736). Algorithms developed to predict the effect of sequence changes on RNA splicing suggest that this variant may disrupt the consensus splice site. For these reasons, this variant has been classified as Pathogenic.

Women's Health and Genetics/Laboratory Corporation of America, LabCorp
Classification: Pathogenic for Hereditary breast ovarian cancer syndrome. Last evaluated: 2024-09-19. Review status: criteria provided, single submitter. Criteria: LabCorp Variant Classification Summary - May 2015. Collection method: clinical testing. Allele origin: germline. Not counted in ClinVar's aggregate classification.
Comment: Variant summary: BRCA2 c.8839G>T (p.Glu2947X) results in a premature termination codon, predicted to cause a truncation of the encoded protein or absence of the protein due to nonsense mediated decay, which are commonly known mechanisms for disease. The variant was absent in 250816 control chromosomes. c.8839G>T has been reported in the literature in individuals affected with Hereditary Breast And Ovarian Cancer Syndrome (Oliver_2019). To our knowledge, no experimental evidence demonstrating an impact on protein function has been reported. The following publication have been ascertained in the context of this evaluation (PMID: 31921681). ClinVar contains an entry for this variant (Variation ID: 91736). Based on the evidence outlined above, the variant was classified as pathogenic.

All of Us Research Program, National Institutes of Health
Classification: Pathogenic for Breast-ovarian cancer, familial, susceptibility to, 2. Last evaluated: 2023-12-15. Review status: criteria provided, single submitter. Criteria: ACMG Guidelines, 2015. Collection method: clinical testing. Allele origin: germline. Inheritance: Autosomal dominant inheritance. Observed: 1 variant allele, 1 heterozygote. Not counted in ClinVar's aggregate classification.
Comment: This variant changes 1 nucleotide in exon 22 of the BRCA2 gene, creating a premature translation stop signal. This variant is expected to result in an absent or non-functional protein product. This variant has been reported in an individual at high-risk of hereditary breast and ovarian cancer (PMID: 31921681). This variant has not been identified in the general population by the Genome Aggregation Database (gnomAD). Loss of BRCA2 function is a known mechanism of disease. Based on the available evidence, this variant is classified as Pathogenic.

This study involves interpretation of variants in research participants for the purpose of population health screening. Participant phenotype was not available at the time of variant classification. Additional details can be found in publication PMID: 35346344, PMCID: PMC8962531

Quest Diagnostics Nichols Institute San Juan Capistrano
Classification: Pathogenic. Last evaluated: 2023-03-23. Review status: criteria provided, single submitter. Criteria: Quest Diagnostics criteria. Collection method: clinical testing. Allele origin: unknown. Not counted in ClinVar's aggregate classification.
Comment: This nonsense variant causes the premature termination of BRCA2 protein synthesis. This variant has not been reported in large, multi-ethnic general populations (In the published literature, the variant has been reported in an individual with hereditary breast and ovarian cancer (PMID: 31921681 (2019)), in a large BRCA1/BRCA2 carrier screening study (PMID: 29446198 (2018)), and in a large cohort that included individuals with hereditary breast and ovarian cancer (PMID: 32719484 (2020)). Based on the available information, this variant is classified as pathogenic.

Baylor Genetics
Classification: Pathogenic for Familial cancer of breast. Last evaluated: 2022-10-23. Review status: criteria provided, single submitter. Criteria: ACMG Guidelines, 2015. Collection method: clinical testing. Allele origin: unknown. Not counted in ClinVar's aggregate classification.

Color Diagnostics, LLC DBA Color Health
Classification: Pathogenic for Hereditary cancer-predisposing syndrome. Last evaluated: 2020-02-26. Review status: criteria provided, single submitter. Criteria: ACMG Guidelines, 2015. Collection method: clinical testing. Allele origin: germline. Not counted in ClinVar's aggregate classification.
Comment: This variant changes 1 nucleotide in exon 22 of the BRCA2 gene, creating a premature translation stop signal. This variant is expected to result in an absent or non-functional protein product. This variant has been reported in an individual at high-risk of hereditary breast and ovarian cancer (PMID: 31921681). This variant has not been identified in the general population by the Genome Aggregation Database (gnomAD). Loss of BRCA2 function is a known mechanism of disease. Based on the available evidence, this variant is classified as Pathogenic.

Consortium of Investigators of Modifiers of BRCA1/2 (CIMBA), c/o University of Cambridge
Classification: Pathogenic for Breast-ovarian cancer, familial, susceptibility to, 2. Last evaluated: 2015-10-02. Review status: criteria provided, single submitter. Criteria: CIMBA Mutation Classification guidelines May 2016. Collection method: clinical testing. Allele origin: germline. Not counted in ClinVar's aggregate classification.

Sharing Clinical Reports Project (SCRP)
Classification: Pathogenic for Breast-ovarian cancer, familial 2. Last evaluated: 2010-08-10. Review status: no assertion criteria provided. Collection method: clinical testing. Allele origin: germline. Not counted in ClinVar's aggregate classification.

Literature cited by the submitters: PubMed 20104584 (cited by Labcorp Genetics (formerly Invitae), Labcorp); PubMed 31921681 (cited by 3 submitters); PubMed 29446198 (cited by Quest Diagnostics Nichols Institute San Juan Capistrano); PubMed 32719484 (cited by Quest Diagnostics Nichols Institute San Juan Capistrano).